The following is an entry in ClinVar:

NM_000433.4(NCF2):c.1438del (p.Glu480fs)

Gene: NCF2 (neutrophil cytosolic factor 2; minus strand). Cytogenetic location: 1q25.3.
Variant type: Deletion.
Coding change: c.1438del on transcript NM_000433.4 (MANE Select); coding-DNA position 1438, one base deleted (G; older notation c.1438delG).
Protein change: p.Glu480fs; shifts the reading frame from glutamic acid 480.
Molecular consequence: frameshift variant.
Genome position (GRCh38, 1-based): chr1:183,560,126, C deleted on the plus strand (G on the coding strand, the reverse complement: NCF2 is on the minus strand); the first of 2 consecutive C bases (chr1:183,560,126-183,560,127); deleting either gives the same sequence. VCF-style (leftmost placement, unchanged base first): chr1-183560125-TC-T. GRCh37 (hg19) VCF-style: chr1-183529260-TC-T.
Other names: c.1438del, p.Glu480fs (NM_001127651.3); c.1195del, p.Glu399fs (NM_001190789.2); c.1303del, p.Glu435fs (NM_001190794.2); short protein forms E399fs, E435fs, E480fs.
Identifiers: ClinVar variation 1677176 (VCV001677176.1), dbSNP rs2102875639, ClinGen allele CA2573131318.

ClinVar aggregate classification (germline): Likely pathogenic (1 of 4 stars; one submission).

Conditions:
Chronic granulomatous disease. Identifiers: Orphanet 379, MedGen C0018203, MONDO:0018305.

Submission:

Women's Health and Genetics/Laboratory Corporation of America, LabCorp
Classification: Likely pathogenic for Chronic granulomatous disease. Last evaluated: 2022-03-22. Review status: criteria provided, single submitter. Criteria: LabCorp Variant Classification Summary - May 2015. Collection method: clinical testing. Allele origin: germline.
Comment: Variant summary: NCF2 c.1438delG (p.Glu480LysfsX4) results in a premature termination codon, predicted to cause a truncation of the encoded protein or absence of the protein due to nonsense mediated decay, which are commonly known mechanisms for disease. The variant was absent in 251404 control chromosomes (gnomAD). To our knowledge, no occurrence of c.1438delG in individuals affected with Chronic Granulomatous Disease and no experimental evidence demonstrating its impact on protein function have been reported. No clinical diagnostic laboratories have submitted clinical-significance assessments for this variant to ClinVar after 2014. Based on the evidence outlined above, the variant was classified as likely pathogenic.